The following is an entry in ClinVar:

ClinVar aggregate classification (germline): Pathogenic (1 of 4 stars; one submission).

Submission:

Labcorp Genetics (formerly Invitae), Labcorp
Classification: Pathogenic. Last evaluated: 2025-10-29. Review status: criteria provided, single submitter. Criteria: Invitae Variant Classification Sherloc (09022015). Collection method: clinical testing. Allele origin: germline.
Comment: This sequence change creates a premature translational stop signal (p.Phe367Ilefs*13) in the TBX4 gene. While this is not anticipated to result in nonsense mediated decay, it is expected to disrupt the last 179 amino acid(s) of the TBX4 protein. This variant is not present in population databases (gnomAD no frequency). This variant has not been reported in the literature in individuals affected with TBX4-related conditions. This variant disrupts a region of the TBX4 protein in which other variant(s) (p.Gln531Arg) have been determined to be pathogenic (PMID: 15106123). This suggests that this is a clinically significant region of the protein, and that variants that disrupt it are likely to be disease-causing. For these reasons, this variant has been classified as Pathogenic.

Literature cited by the submitters: PubMed 15106123.

NM_001321120.2(TBX4):c.1100_1101dup (p.Phe368fs)

Gene: TBX4 (T-box transcription factor 4; plus strand). Cytogenetic location: 17q23.2.
Variant type: Duplication.
Coding change: c.1100_1101dup on transcript NM_001321120.2 (MANE Select); coding-DNA positions 1100 to 1101, 2 bases duplicated (AT; older notation c.1100_1101dupAT).
Protein change: p.Phe368fs; shifts the reading frame from phenylalanine 368.
Molecular consequence: frameshift variant.
Genome position (GRCh38, 1-based): chr17:61,482,975-61,482,976, AT duplicated; duplicating any 2 consecutive bases within chr17:61,482,974-61,482,976 gives the same sequence; the c. name uses the placement nearest the transcript's 3' end. VCF-style (leftmost placement, unchanged base first): chr17-61482973-C-CTA. GRCh37 (hg19) VCF-style: chr17-59560334-C-CTA.
Other names: c.1097_1098dup, p.Phe367fs (NM_018488.3); short protein forms F367fs, F368fs.
Identifiers: ClinVar variation 4730186 (VCV004730186.1).